The following is an entry in ClinVar:

NM_152564.5(VPS13B):c.5904T>C (p.Cys1968=)

Gene: VPS13B (vacuolar protein sorting 13 homolog B; plus strand). Cytogenetic location: 8q22.2.
Variant type: single nucleotide variant.
Coding change: c.5904T>C on transcript NM_152564.5 (MANE Select); coding-DNA position 5904, T replaced by C.
Protein change: p.Cys1968=; no amino-acid change (cysteine 1968 retained).
Molecular consequence: synonymous variant.
Genome position (GRCh38, 1-based): chr8:99,642,494, T>C. VCF-style: chr8-99642494-T-C. GRCh37 (hg19) VCF-style: chr8-100654722-T-C.
Other names: c.5979T>C, p.Cys1993= (NM_017890.5); c.5904T>C (NM_152564.4).
Identifiers: ClinVar variation 1463163 (VCV001463163.10), dbSNP rs773156709, ClinGen allele CA4823886.
Genomic context (GRCh38, chr8:99,642,494, plus strand): 5'-GCGAGTGGAAGTATCCATTTTTGATGCTGTGCTTAAAGGGGTGGCCTCTGATTACAAATG[T>C]ATAGGTAAGAACCTTCAAACTTACTGGAGTGCTAATAATTACTATCTAATAAGTTGTATT-3'
Protein context (NP_689777.3, residues 1958-1978): VLKGVASDYK[Cys1968=]IDPGKTLPEA

ClinVar aggregate classification (germline): Likely benign. Review status: criteria provided, single submitter (1 of 4 stars). 2 submissions from 2 submitters: Likely benign (1). 1 of the submissions does not count toward it. Last evaluated 2023-08-21.

Conditions:
Cohen syndrome (COH1). Also called: PEPPER SYNDROME; Cutis verticis gyrata, retinitis pigmentosa, and sensorineural deafness. Identifiers: Orphanet 193, MedGen C0265223, MONDO:0008999, OMIM 216550.
VPS13B-related disorder. Also called: VPS13B-related condition.

Allele frequency attached by ClinVar (database versions not stated): gnomAD exomes below 0.00001 and 0.00001; ExAC 0.00001; gnomAD 0.00001; TOPMed 0.00002.
gnomAD v4.1: 5 of 1,611,670 alleles (0.00031%); highest among the groups gnomAD compares: Admixed American, 0.0017%; no homozygotes.

Submissions (2):

Labcorp Genetics (formerly Invitae), Labcorp
Classification: Likely benign for Cohen syndrome. Last evaluated: 2023-08-21. Review status: criteria provided, single submitter. Criteria: Invitae Variant Classification Sherloc (09022015). Collection method: clinical testing. Allele origin: germline.

PreventionGenetics, part of Exact Sciences
Classification: Likely benign for VPS13B-related condition. Last evaluated: 2023-11-29. Review status: no assertion criteria provided. Collection method: clinical testing. Allele origin: germline. Not counted in ClinVar's aggregate classification.
Comment: This variant is classified as likely benign based on ACMG/AMP sequence variant interpretation guidelines (Richards et al. 2015 PMID: 25741868, with internal and published modifications).